The following is an entry in ClinVar:

NM_001376.5(DYNC1H1):c.12067C>T (p.Gln4023Ter)

Gene: DYNC1H1 (dynein cytoplasmic 1 heavy chain 1; plus strand). Cytogenetic location: 14q32.31.
Variant type: single nucleotide variant.
Coding change: c.12067C>T on transcript NM_001376.5 (MANE Select); coding-DNA position 12067, C replaced by T.
Protein change: p.Gln4023Ter; replaces glutamine 4023 with a stop codon.
Molecular consequence: nonsense.
Genome position (GRCh38, 1-based): chr14:102,041,699, C>T. VCF-style: chr14-102041699-C-T. GRCh37 (hg19) VCF-style: chr14-102508036-C-T.
Other names: short protein forms Q4023*.
Identifiers: ClinVar variation 2095496 (VCV002095496.4), dbSNP rs2503855998, ClinGen allele CA391037970.
Genomic context (GRCh38, chr14:102,041,699, plus strand): 5'-GCCATGGCCCACATGTTTGTTTCAACAAACCTTGGGGAGTCTTTCATGTCCATCATGGAG[C>T]AGCCGCTCGACCTGACCCACATTGTGGGCACAGAGGTAATGTCCTGGTACAGCCCGGGCT-3'

ClinVar aggregate classification (germline): Uncertain significance (1 of 4 stars; one submission).

Conditions:
Charcot-Marie-Tooth disease axonal type 2O. Also called: CHARCOT-MARIE-TOOTH NEUROPATHY, AXONAL, TYPE 2O; CHARCOT-MARIE-TOOTH DISEASE, AXONAL, AUTOSOMAL DOMINANT, TYPE 2O; Charcot-Marie-Tooth disease, axonal, type 20; Charcot-Marie-Tooth Neuropathy Type 2O. Identifiers: Orphanet 284232, MedGen C3280220, MONDO:0013644, OMIM 614228.

Submission:

Labcorp Genetics (formerly Invitae), Labcorp
Classification: Uncertain significance for Charcot-Marie-Tooth disease axonal type 2O. Last evaluated: 2022-02-09. Review status: criteria provided, single submitter. Criteria: Invitae Variant Classification Sherloc (09022015). Collection method: clinical testing. Allele origin: germline.
Comment: In summary, the available evidence is currently insufficient to determine the role of this variant in disease. Therefore, it has been classified as a Variant of Uncertain Significance. This variant has not been reported in the literature in individuals affected with DYNC1H1-related conditions. This variant is not present in population databases (gnomAD no frequency). This sequence change creates a premature translational stop signal (p.Gln4023*) in the DYNC1H1 gene. It is expected to result in an absent or disrupted protein product. However, the current clinical and genetic evidence is not sufficient to establish whether loss-of-function variants in DYNC1H1 cause disease.